The following is an entry in ClinVar:

NM_025103.4(IFT74):c.1268A>T (p.Asp423Val)

Gene: IFT74 (intraflagellar transport 74; plus strand). Cytogenetic location: 9p21.2.
Variant type: single nucleotide variant.
Coding change: c.1268A>T on transcript NM_025103.4 (MANE Select); coding-DNA position 1268, A replaced by T.
Protein change: p.Asp423Val; replaces aspartic acid 423 with valine.
Molecular consequence: missense variant.
Genome position (GRCh38, 1-based): chr9:27,048,209, A>T. VCF-style: chr9-27048209-A-T. GRCh37 (hg19) VCF-style: chr9-27048207-A-T.
Other names: c.1268A>T, p.Asp423Val (NM_001099222.3, NM_001099223.3, NM_001349928.2); c.1268A>T (NM_025103.2); short protein forms D423V.
Identifiers: ClinVar variation 2200194 (VCV002200194.2), dbSNP rs761435200, ClinGen allele CA5015618.

ClinVar aggregate classification (germline): Uncertain significance. Review status: criteria provided, multiple submitters, no conflicts (2 of 4 stars). 2 submissions from 2 submitters: Uncertain significance (2). Last evaluated 2026-05-05.

Conditions:
IFT74-related disorder. Also called: IFT74-related condition; IFT74-Related Disorders.

gnomAD v4.1: 73 of 1,605,588 alleles (0.0045%); highest among the groups gnomAD compares: Non-Finnish European, 0.0054%; no homozygotes.

Submissions (2):

PreventionGenetics, part of Exact Sciences
Classification: Uncertain significance for IFT74-related condition. Last evaluated: 2026-05-05. Review status: criteria provided, single submitter. Criteria: ACMG Guidelines, 2015. Collection method: clinical testing. Allele origin: germline.
Comment: The IFT74 c.1268A>T variant is predicted to result in the amino acid substitution p.Asp423Val. To our knowledge, this variant has not been reported in the literature. This variant is reported in 0.0044% of alleles in individuals of European (Non-Finnish) descent in gnomAD. At this time, the clinical significance of this variant is uncertain due to the absence of conclusive functional and genetic evidence.

Labcorp Genetics (formerly Invitae), Labcorp
Classification: Uncertain significance. Last evaluated: 2022-08-08. Review status: criteria provided, single submitter. Criteria: Invitae Variant Classification Sherloc (09022015). Collection method: clinical testing. Allele origin: germline.
Comment: This sequence change replaces aspartic acid, which is acidic and polar, with valine, which is neutral and non-polar, at codon 423 of the IFT74 protein (p.Asp423Val). This variant is present in population databases (rs761435200, gnomAD 0.004%). This variant has not been reported in the literature in individuals affected with IFT74-related conditions. Algorithms developed to predict the effect of missense changes on protein structure and function are either unavailable or do not agree on the potential impact of this missense change (SIFT: "Deleterious"; PolyPhen-2: "Possibly Damaging"; Align-GVGD: "Class C0"). Algorithms developed to predict the effect of sequence changes on RNA splicing suggest that this variant may create or strengthen a splice site. In summary, the available evidence is currently insufficient to determine the role of this variant in disease. Therefore, it has been classified as a Variant of Uncertain Significance.